The following is an entry in ClinVar:

ClinVar aggregate classification (germline): Uncertain significance (1 of 4 stars; one submission).

Conditions:
Familial thoracic aortic aneurysm and aortic dissection (TAAD). Also called: Thoracic aortic aneurysms and dissections. Identifiers: Orphanet 91387, MedGen C4707243, MONDO:0019625.

Submission:

Ambry Genetics
Classification: Uncertain significance for Familial thoracic aortic aneurysm and aortic dissection. Last evaluated: 2024-12-18. Review status: criteria provided, single submitter. Criteria: Ambry Variant Classification Scheme 2023. Collection method: clinical testing. Allele origin: germline.
Comment: The c.456_458delTGG variant (also known as p.G153del) is located in coding exon 4 of the NOTCH1 gene. This variant results from an in-frame TGG deletion at nucleotide positions 456 to 458. This results in the in-frame deletion of a glycine at codon 153. This amino acid position is highly conserved in available vertebrate species. In addition, this alteration is predicted to be deleterious by in silico analysis (Choi Y et al. PLoS ONE. 2012; 7(10):e46688). Based on the available evidence, the clinical significance of this variant remains unclear.

NM_017617.5(NOTCH1):c.456_458del (p.Gly153del)

Gene: NOTCH1 (notch receptor 1; minus strand). Cytogenetic location: 9q34.3.
Variant type: Deletion.
Coding change: c.456_458del on transcript NM_017617.5 (MANE Select); coding-DNA positions 456 to 458, 3 bases deleted (TGG; older notation c.456_458delTGG).
Protein change: p.Gly153del; deletes glycine 153.
Molecular consequence: inframe deletion.
Genome position (GRCh38, 1-based): chr9:136,523,134-136,523,136, CCA deleted on the plus strand (TGG on the coding strand, the reverse complement: NOTCH1 is on the minus strand); deleting any 3 consecutive bases within chr9:136,523,134-136,523,138 gives the same sequence; the c. name uses the placement nearest the transcript's 3' end. VCF-style (leftmost placement, unchanged base first): chr9-136523133-GCCA-G. GRCh37 (hg19) VCF-style: chr9-139417585-GCCA-G.
Other names: short protein forms G153del.
Identifiers: ClinVar variation 3880469 (VCV003880469.1).
Genomic context (GRCh38, chr9:136,523,133, plus strand): 5'-GGGGCCATGGAAGCTGGGTGGGCAGTGGCAGATGTAGGAGGCCTCGAAGGGCAGGCACTG[GCCA>G]CCGTTGGCGCAGGGGTTGGAGGCGCACGGGTCAGCCTGCTGGCACGATTTCCCTGGAGAC-3'